The following is an entry in ClinVar:

ClinVar aggregate classification (germline): Likely benign. Review status: criteria provided, multiple submitters, no conflicts (2 of 4 stars). 5 submissions from 5 submitters: Likely benign (4). 1 of the submissions does not count toward it. Last evaluated 2025-11-24.

Conditions:
Hypogonadotropic hypogonadism 2 with or without anosmia (HH2). Also called: HYPOGONADOTROPIC HYPOGONADISM 2 WITHOUT ANOSMIA; HYPOGONADOTROPIC HYPOGONADISM 2 WITH OR WITHOUT ANOSMIA, SUSCEPTIBILITY TO; HYPOGONADOTROPIC HYPOGONADISM 2 WITHOUT ANOSMIA, SUSCEPTIBILITY TO; FGFR1-Related GnRH Deficiency (Kallmann Syndrome 2). Identifiers: Orphanet 478, MedGen C1563720, MONDO:0007844, OMIM 147950. Disease mechanism: loss of function.
Pfeiffer syndrome (ACS5). Also called: ACS V. Identifiers: Orphanet 710, MedGen C0220658, MONDO:0007043, OMIM 101600.
Hartsfield-Bixler-Demyer syndrome (HRTFDS). Also called: Holoprosencephaly, ectrodactyly, and bilateral cleft lip/palate; FGFR1-Related Hartsfield Syndrome; Hartsfield syndrome. Identifiers: Orphanet 2117, MedGen C1845146, MONDO:0014196, OMIM 615465. Disease mechanism: loss of function.
Encephalocraniocutaneous lipomatosis (ECCL). Identifiers: Orphanet 2396, MedGen C0406612, MONDO:0013074, OMIM 613001.
Trigonocephaly 1 (TRIGNO1). Identifiers: Orphanet 3366, MedGen C0432122, MONDO:0008603, OMIM 190440.
Jackson-Weiss syndrome (JWS). Also called: CRANIOSYNOSTOSIS, MIDFACIAL HYPOPLASIA, AND FOOT ABNORMALITIES. Identifiers: Orphanet 1540, MedGen C0795998, MONDO:0007400, OMIM 123150. Disease mechanism: loss of function.
Osteoglophonic dysplasia (OGD). Also called: Osteoglophonic dwarfism. Identifiers: Orphanet 2645, MedGen C0432283, MONDO:0008150, OMIM 166250.
FGFR1-related disorder. Also called: FGFR1-related disorders; FGFR1-related condition. Identifiers: MedGen CN380097.

Allele frequency attached by ClinVar (database versions not stated): gnomAD 0.00013 and 0.00014; gnomAD exomes 0.00013 and 0.00027; TOPMed 0.00014; ExAC 0.00018; ESP Exome Variant Server 0.00064.
gnomAD v4.1: 412 of 1,613,944 alleles (0.026%); highest among the groups gnomAD compares: Non-Finnish European, 0.034%; 1 homozygote.

Submissions (5):

Labcorp Genetics (formerly Invitae), Labcorp
Classification: Likely benign for Pfeiffer syndrome; Hypogonadotropic hypogonadism 2 with or without anosmia. Last evaluated: 2025-11-24. Review status: criteria provided, single submitter. Criteria: Invitae Variant Classification Sherloc (09022015). Collection method: clinical testing. Allele origin: germline.

Blueprint Genetics
Classification: Likely benign. Last evaluated: 2024-11-26. Review status: criteria provided, single submitter. Criteria: ACMG Guidelines, 2015. Collection method: clinical testing. Allele origin: germline.

Fulgent Genetics
Classification: Likely benign for Pfeiffer syndrome; Jackson-Weiss syndrome; Hypogonadotropic hypogonadism 2 with or without anosmia; Osteoglophonic dysplasia; Trigonocephaly 1; Encephalocraniocutaneous lipomatosis; Hartsfield-Bixler-Demyer syndrome. Last evaluated: 2021-12-03. Review status: criteria provided, single submitter. Criteria: ACMG Guidelines, 2015. Collection method: clinical testing. Allele origin: unknown.

GeneDx
Classification: Likely benign. Last evaluated: 2021-04-09. Review status: criteria provided, single submitter. Criteria: GeneDx Variant Classification Process June 2021. Collection method: clinical testing. Allele origin: germline. Affected: yes.

PreventionGenetics, part of Exact Sciences
Classification: Likely benign for FGFR1-related condition. Last evaluated: 2019-03-22. Review status: no assertion criteria provided. Collection method: clinical testing. Allele origin: germline. Not counted in ClinVar's aggregate classification.
Comment: This variant is classified as likely benign based on ACMG/AMP sequence variant interpretation guidelines (Richards et al. 2015 PMID: 25741868, with internal and published modifications).

NM_023110.3(FGFR1):c.2298C>T (p.Tyr766=)

Gene: FGFR1 (fibroblast growth factor receptor 1; minus strand). Cytogenetic location: 8p11.23.
Variant type: single nucleotide variant.
Coding change: c.2298C>T on transcript NM_023110.3 (MANE Select); coding-DNA position 2298, C replaced by T.
Protein change: p.Tyr766=; no amino-acid change (tyrosine 766 retained).
Molecular consequence: synonymous variant. On other transcripts: intron variant (3).
Genome position (GRCh38, 1-based): chr8:38,413,799, G>A on the plus strand (C>T on the coding strand, the complement: FGFR1 is on the minus strand). VCF-style: chr8-38413799-G-A. GRCh37 (hg19) VCF-style: chr8-38271317-G-A.
Other names: c.2292C>T, p.Tyr764= (NM_001174063.2, NM_001174065.2, NM_015850.4); c.2268C>T, p.Tyr756= (NM_001174064.2); c.2031C>T, p.Tyr677= (NM_001174066.2, NM_023105.3); c.2391C>T, p.Tyr797= (NM_001174067.2); c.2019C>T, p.Tyr673= (NM_001354368.2); c.2025C>T, p.Tyr675= (NM_023106.3); c.2019+119C>T (NM_001354370.2); c.2286+119C>T (NM_001354367.2); and 1 more.
Identifiers: ClinVar variation 696666 (VCV000696666.13), dbSNP rs376173540, ClinGen allele CA4718101.